The following is an entry in ClinVar:

NM_017654.4(SAMD9):c.648_662dup (p.Arg221_Phe222insAsnGluValPheArg)

Gene: SAMD9 (sterile alpha motif domain containing 9; minus strand). Cytogenetic location: 7q21.2.
Variant type: Duplication.
Coding change: c.648_662dup on transcript NM_017654.4 (MANE Select); coding-DNA positions 648 to 662, 15 bases duplicated (CAATGAGGTTTTCCG).
Protein change: p.Arg221_Phe222insAsnGluValPheArg.
Molecular consequence: inframe insertion.
Genome position (GRCh38, 1-based): chr7:93,105,436-93,105,450, CGGAAAACCTCATTG duplicated on the plus strand (CAATGAGGTTTTCCG on the coding strand, the reverse complement: SAMD9 is on the minus strand); duplicating any 15 consecutive bases within chr7:93,105,436-93,105,451 gives the same sequence; the c. name uses the placement nearest the transcript's 3' end. VCF-style (leftmost placement, unchanged base first): chr7-93105435-T-TCGGAAAACCTCATTG. GRCh37 (hg19) VCF-style: chr7-92734748-T-TCGGAAAACCTCATTG.
Other names: c.648_662dup, p.Arg221_Phe222insAsnGluValPheArg (NM_001193307.2).
Identifiers: ClinVar variation 2757369 (VCV002757369.3), dbSNP rs1791621152, ClinGen allele CA1726203798.
Genomic context (GRCh38, chr7:93,105,435, plus strand): 5'-GTCTTTGACTCCAAAATGAATAGTGCCATTGGTACGTGAATTCATACAAGCTGAAGCAAA[T>TCGGAAAACCTCATTG]CGGAAAACCTCATTGCTAAATTTCATCTTGACATCCTCTTCTGTGGCTGTTGCTGTATTT-3'

ClinVar aggregate classification (germline): Uncertain significance (1 of 4 stars; one submission).

Submission:

Labcorp Genetics (formerly Invitae), Labcorp
Classification: Uncertain significance. Last evaluated: 2023-09-01. Review status: criteria provided, single submitter. Criteria: Invitae Variant Classification Sherloc (09022015). Collection method: clinical testing. Allele origin: germline.
Comment: In summary, the available evidence is currently insufficient to determine the role of this variant in disease. Therefore, it has been classified as a Variant of Uncertain Significance. This variant has not been reported in the literature in individuals affected with SAMD9-related conditions. This variant is not present in population databases (gnomAD no frequency). This variant, c.648_662dup, results in the insertion of 5 amino acid(s) of the SAMD9 protein (p.Asn217_Arg221dup), but otherwise preserves the integrity of the reading frame.